The following is an entry in ClinVar:

ClinVar aggregate classification (germline): Likely pathogenic (1 of 4 stars; one submission).

Conditions:
Hyper-IgE recurrent infection syndrome 3, autosomal recessive. Also called: Autosomal recessive hyper-IgE syndrome due to ZNF341 deficiency; HYPER-IgE SYNDROME 3, AUTOSOMAL RECESSIVE, WITH RECURRENT INFECTIONS. Identifiers: Orphanet 641368, MedGen C4748969, MONDO:0032654, OMIM 618282.

Submission:

Labcorp Genetics (formerly Invitae), Labcorp
Classification: Likely pathogenic for Combined immunodeficiency due to DOCK8 deficiency. Last evaluated: 2023-07-28. Review status: criteria provided, single submitter. Criteria: Invitae Variant Classification Sherloc (09022015). Collection method: clinical testing. Allele origin: germline.
Comment: This variant results in a copy number gain of the genomic region encompassing exon(s) 2-22 of the DOCK8 gene. While the exact position of this variant cannot be determined from the data, sub-genic copy number gains are generally in tandem (PMID: 25640679). This variant is predicted to be out-of-frame, and may result in an absent or disrupted protein product. Loss-of-function variants in DOCK8 are known to be pathogenic (PMID: 14722525, 19776401). This variant has not been reported in the literature in individuals affected with DOCK8-related conditions. In summary, the currently available evidence indicates that the variant is pathogenic, but additional data are needed to prove that conclusively. Therefore, this variant has been classified as Likely Pathogenic.

Literature cited by the submitters: PubMed 25640679; PubMed 14722525; PubMed 19776401.

NC_000009.11:g.(?_271607)_(382705_?)dup

Gene: DOCK8 (dedicator of cytokinesis 8; plus strand). Cytogenetic location: 9p24.3.
Variant type: Duplication.
Identifiers: ClinVar variation 1348112 (VCV001348112.11).